The following is an entry in ClinVar:

NM_001375524.1(TRRAP):c.8014C>T (p.Arg2672Trp)

Gene: TRRAP (transformation/transcription domain associated protein; plus strand). Cytogenetic location: 7q22.1.
Variant type: single nucleotide variant.
Coding change: c.8014C>T on transcript NM_001375524.1 (MANE Select); coding-DNA position 8014, C replaced by T.
Protein change: p.Arg2672Trp; replaces arginine 2672 with tryptophan.
Molecular consequence: missense variant.
Genome position (GRCh38, 1-based): chr7:98,976,537, C>T. VCF-style: chr7-98976537-C-T. GRCh37 (hg19) VCF-style: chr7-98574160-C-T.
Other names: c.7993C>T, p.Arg2665Trp (NM_001244580.2); c.7939C>T, p.Arg2647Trp (NM_003496.4); short protein forms R2647W, R2665W, R2672W.
Identifiers: ClinVar variation 3685826 (VCV003685826.2).

ClinVar aggregate classification (germline): Uncertain significance (1 of 4 stars; one submission).

Submission:

Labcorp Genetics (formerly Invitae), Labcorp
Classification: Uncertain significance. Last evaluated: 2025-11-10. Review status: criteria provided, single submitter. Criteria: Invitae Variant Classification Sherloc (09022015). Collection method: clinical testing. Allele origin: germline.
Comment: This sequence change replaces arginine, which is basic and polar, with tryptophan, which is neutral and slightly polar, at codon 2647 of the TRRAP protein (p.Arg2647Trp). This variant is not present in population databases (gnomAD no frequency). This variant has not been reported in the literature in individuals affected with TRRAP-related conditions. ClinVar contains an entry for this variant (Variation ID: 3685826). Invitae Evidence Modeling of protein sequence and biophysical properties (such as structural, functional, and spatial information, amino acid conservation, physicochemical variation, residue mobility, and thermodynamic stability) indicates that this missense variant is expected to disrupt TRRAP protein function with a positive predictive value of 80%. In summary, the available evidence is currently insufficient to determine the role of this variant in disease. Therefore, it has been classified as a Variant of Uncertain Significance.